The following is an entry in ClinVar:

ClinVar aggregate classification (germline): Pathogenic (1 of 4 stars; one submission).

Submission:

Labcorp Genetics (formerly Invitae), Labcorp
Classification: Pathogenic. Last evaluated: 2021-04-11. Review status: criteria provided, single submitter. Criteria: Invitae Variant Classification Sherloc (09022015). Collection method: clinical testing. Allele origin: germline.
Comment: This sequence change creates a premature translational stop signal (p.Ala1370Profs*7) in the CARMIL2 gene. It is expected to result in an absent or disrupted protein product. Loss-of-function variants in CARMIL2 are known to be pathogenic (PMID: 27647349, 28112205). This variant is not present in population databases (ExAC no frequency). For these reasons, this variant has been classified as Pathogenic. This variant has not been reported in the literature in individuals with CARMIL2-related conditions.

Literature cited by the submitters: PubMed 27647349; PubMed 28112205.

NM_001013838.3(CARMIL2):c.4108del (p.Ala1370fs)

Gene: CARMIL2 (capping protein regulator and myosin 1 linker 2; plus strand). Cytogenetic location: 16q22.1.
Variant type: Deletion.
Coding change: c.4108del on transcript NM_001013838.3 (MANE Select); coding-DNA position 4108, one base deleted (G; older notation c.4108delG).
Protein change: p.Ala1370fs; shifts the reading frame from alanine 1370.
Molecular consequence: frameshift variant. On other transcripts: intron variant (1).
Genome position (GRCh38, 1-based): chr16:67,656,872, G deleted; the last of 2 consecutive G bases (chr16:67,656,871-67,656,872); deleting either gives the same sequence. VCF-style (leftmost placement, unchanged base first): chr16-67656870-AG-A. GRCh37 (hg19) VCF-style: chr16-67690773-AG-A.
Other names: c.3928+227del (NM_001317026.3); short protein forms A1370fs.
Identifiers: ClinVar variation 1452801 (VCV001452801.6), dbSNP rs2142960311, ClinGen allele CA2573152562.